The following is an entry in ClinVar:

ClinVar aggregate classification (germline): Uncertain significance (1 of 4 stars; one submission).

Conditions:
Hereditary spastic paraplegia 64. Also called: Spastic paraplegia 64, autosomal recessive; ENTPD1-Related Neurodevelopmental Disorder. Identifiers: Orphanet 401810, MedGen C3810289, MONDO:0014303, OMIM 615683.

Submission:

Labcorp Genetics (formerly Invitae), Labcorp
Classification: Uncertain significance for Hereditary spastic paraplegia 64. Last evaluated: 2022-09-27. Review status: criteria provided, single submitter. Criteria: Invitae Variant Classification Sherloc (09022015). Collection method: clinical testing. Allele origin: germline.
Comment: Algorithms developed to predict the effect of missense changes on protein structure and function (SIFT, PolyPhen-2, Align-GVGD) all suggest that this variant is likely to be disruptive. In summary, the available evidence is currently insufficient to determine the role of this variant in disease. Therefore, it has been classified as a Variant of Uncertain Significance. This sequence change replaces threonine, which is neutral and polar, with proline, which is neutral and non-polar, at codon 451 of the ENTPD1 protein (p.Thr451Pro). This variant is not present in population databases (gnomAD no frequency). This variant has not been reported in the literature in individuals affected with ENTPD1-related conditions.

NM_001776.6(ENTPD1):c.1351A>C (p.Thr451Pro)

Genes: ENTPD1-AS1 (ENTPD1 antisense RNA 1; minus strand), ENTPD1 (ectonucleoside triphosphate diphosphohydrolase 1; plus strand). Cytogenetic location: 10q24.1.
Variant type: single nucleotide variant.
Coding change: c.1351A>C on transcript NM_001776.6 (MANE Select); coding-DNA position 1351, A replaced by C.
Protein change: p.Thr451Pro; replaces threonine 451 with proline.
Molecular consequence: missense variant. On other transcripts: intron variant (1).
Genome position (GRCh38, 1-based): chr10:95,866,201, A>C. VCF-style: chr10-95866201-A-C. GRCh37 (hg19) VCF-style: chr10-97625958-A-C.
Other names: c.1027A>C, p.Thr343Pro (NM_001164181.1, NM_001312654.1); c.937A>C, p.Thr313Pro (NM_001164182.2, NM_001164183.2); c.1362+1340A>C (NM_001320916.1); c.1372A>C, p.Thr458Pro (NM_001098175.2); c.1387A>C, p.Thr463Pro (NM_001164178.1); c.1228A>C, p.Thr410Pro (NM_001164179.2); short protein forms T313P, T343P, T410P, T451P, T458P, T463P.
Identifiers: ClinVar variation 1714543 (VCV001714543.5), dbSNP rs2494721086, ClinGen allele CA377824784.